The following is an entry in ClinVar:

NC_000020.10:g.(?_61048439)_(61050577_?)del

Gene: GATA5 (GATA binding protein 5; minus strand). Cytogenetic location: 20q13.33.
Variant type: Deletion.
Identifiers: ClinVar variation 2427180 (VCV002427180.3).

ClinVar aggregate classification (germline): Uncertain significance (1 of 4 stars; one submission).

Submission:

Labcorp Genetics (formerly Invitae), Labcorp
Classification: Uncertain significance. Last evaluated: 2022-04-25. Review status: criteria provided, single submitter. Criteria: Invitae Variant Classification Sherloc (09022015). Collection method: clinical testing. Allele origin: germline.
Comment: This variant is a gross deletion of the genomic region encompassing exon(s) 2-3 of the GATA5 gene, which includes the initiator codon. This deletion extends beyond the assayed region for this gene and therefore may encompass additional genes. It is expected to result in an absent or disrupted protein product. However, the current clinical and genetic evidence is not sufficient to establish whether loss-of-function variants in GATA5 cause disease. This variant has not been reported in the literature in individuals affected with GATA5-related conditions. In summary, the available evidence is currently insufficient to determine the role of this variant in disease. Therefore, it has been classified as a Variant of Uncertain Significance.